The following is an entry in ClinVar:

ClinVar aggregate classification (germline): Likely benign. Review status: criteria provided, single submitter (1 of 4 stars). 2 submissions from 2 submitters: Likely benign (1). 1 of the submissions does not count toward it. Last evaluated 2023-10-04.

Conditions:
SLC12A1-related disorder. Also called: SLC12A1-related condition.

Allele frequency attached by ClinVar (database versions not stated): ExAC 0.00001; TOPMed 0.00007; ESP Exome Variant Server 0.00008; gnomAD 0.00010.
gnomAD v4.1: 66 of 1,609,846 alleles (0.0041%); highest among the groups gnomAD compares: African/African-American, 0.02%; no homozygotes.

Submissions (2):

Labcorp Genetics (formerly Invitae), Labcorp
Classification: Likely benign. Last evaluated: 2023-10-04. Review status: criteria provided, single submitter. Criteria: Invitae Variant Classification Sherloc (09022015). Collection method: clinical testing. Allele origin: germline.

PreventionGenetics, part of Exact Sciences
Classification: Likely benign for SLC12A1-related condition. Last evaluated: 2019-02-21. Review status: no assertion criteria provided. Collection method: clinical testing. Allele origin: germline. Not counted in ClinVar's aggregate classification.
Comment: This variant is classified as likely benign based on ACMG/AMP sequence variant interpretation guidelines (Richards et al. 2015 PMID: 25741868, with internal and published modifications).

NM_000338.3(SLC12A1):c.876G>A (p.Ser292=)

Gene: SLC12A1 (solute carrier family 12 member 1; plus strand). Cytogenetic location: 15q21.1.
Variant type: single nucleotide variant.
Coding change: c.876G>A on transcript NM_000338.3 (MANE Select); coding-DNA position 876, G replaced by A.
Protein change: p.Ser292=; no amino-acid change (serine 292 retained).
Molecular consequence: synonymous variant.
Genome position (GRCh38, 1-based): chr15:48,230,404, G>A. VCF-style: chr15-48230404-G-A. GRCh37 (hg19) VCF-style: chr15-48522601-G-A.
Other names: c.876G>A, p.Ser292= (NM_001184832.2, NM_001384136.1); c.876G>A (NM_000338.2).
Identifiers: ClinVar variation 2186735 (VCV002186735.6), dbSNP rs147034737, ClinGen allele CA7546926.